The following is an entry in ClinVar:

NM_000166.6(GJB1):c.227dup (p.Trp77fs)

Gene: GJB1 (gap junction protein beta 1; plus strand). Cytogenetic location: Xq13.1.
Variant type: Duplication.
Coding change: c.227dup on transcript NM_000166.6 (MANE Select); coding-DNA position 227, one base duplicated (T; older notation c.227dupT).
Protein change: p.Trp77fs; shifts the reading frame from tryptophan 77.
Molecular consequence: frameshift variant.
Genome position (GRCh38, 1-based): chrX:71,223,934, T duplicated. VCF-style (leftmost placement, unchanged base first): chrX-71223933-C-CT. GRCh37 (hg19) VCF-style: chrX-70443783-C-CT.
Other names: c.227dup, p.Trp77fs (NM_001097642.3); short protein forms W77fs.
Identifiers: ClinVar variation 2773180 (VCV002773180.3), dbSNP rs2519798088, ClinGen allele CA2697553166.

ClinVar aggregate classification (germline): Pathogenic (1 of 4 stars; one submission).

Conditions:
Charcot-Marie-Tooth Neuropathy X. Identifiers: MedGen CN118851.

Submission:

Labcorp Genetics (formerly Invitae), Labcorp
Classification: Pathogenic for Charcot-Marie-Tooth Neuropathy X. Last evaluated: 2023-06-05. Review status: criteria provided, single submitter. Criteria: Invitae Variant Classification Sherloc (09022015). Collection method: clinical testing. Allele origin: germline.
Comment: For these reasons, this variant has been classified as Pathogenic. This variant disrupts a region of the GJB1 protein in which other variant(s) (p.Arg220*) have been determined to be pathogenic (PMID: 7477983, 8162049, 9364054, 21291455). This suggests that this is a clinically significant region of the protein, and that variants that disrupt it are likely to be disease-causing. This variant has not been reported in the literature in individuals affected with GJB1-related conditions. This variant is not present in population databases (gnomAD no frequency). This sequence change creates a premature translational stop signal (p.Trp77Valfs*33) in the GJB1 gene. While this is not anticipated to result in nonsense mediated decay, it is expected to disrupt the last 207 amino acid(s) of the GJB1 protein.

Literature cited by the submitters: PubMed 7477983; PubMed 8162049; PubMed 9364054; PubMed 21291455.